The following is an entry in ClinVar:

NM_000454.5(SOD1):c.281_283dup (p.Gly94_Val95insGly)

Gene: SOD1 (superoxide dismutase 1; plus strand). Cytogenetic location: 21q22.11.
Variant type: Duplication.
Coding change: c.281_283dup on transcript NM_000454.5 (MANE Select); coding-DNA positions 281 to 283, 3 bases duplicated (GTG; older notation c.281_283dupGTG).
Protein change: p.Gly94_Val95insGly.
Genome position (GRCh38, 1-based): chr21:31,667,299-31,667,301, GTG duplicated; duplicating any 3 consecutive bases within chr21:31,667,297-31,667,301 gives the same sequence; the c. name uses the placement nearest the transcript's 3' end. VCF-style (leftmost placement, unchanged base first): chr21-31667296-A-ATGG. GRCh37 (hg19) VCF-style: chr21-33039609-A-ATGG.
Other names: p.Gly94dup; c.281_283dupGTG (NM_000454.5).
Identifiers: ClinVar variation 3778878 (VCV003778878.1).
Genomic context (GRCh38, chr21:31,667,296, plus strand): 5'-TCTGATGCTTTTTCATTATTAGGCATGTTGGAGACTTGGGCAATGTGACTGCTGACAAAG[A>ATGG]TGGTGTGGCCGATGTGTCTATTGAAGATTCTGTGATCTCACTCTCAGGAGACCATTGCAT-3'

ClinVar aggregate classification (germline): Likely pathogenic (1 of 4 stars; one submission).

Conditions:
Amyotrophic lateral sclerosis type 1 (ALS1). Also called: AMYOTROPHIC LATERAL SCLEROSIS 1, FAMILIAL. Identifiers: Orphanet 803, MedGen C1862939, MONDO:0007103, OMIM 105400.

Submission:

Human Genome Lab, NIMHANS, National Institute of Mental Health and Neuro Sciences
Classification: Likely pathogenic for Amyotrophic lateral sclerosis type 1. Last evaluated: 2025-04-17. Review status: criteria provided, single submitter. Criteria: ACMG Guidelines, 2015. Collection method: clinical testing. Allele origin: germline. Inheritance: Autosomal dominant inheritance. Affected: yes. Observed: 1 heterozygote.
Comment: The SOD1 gene encodes superoxide dismutase-1, a cytoplasmic antioxidant enzyme that metabolizes superoxide radicals to molecular oxygen and hydrogen peroxide, thus providing a defense against oxygen toxicity. The novel genomic variant c.281_283dupGTG p.Gly94dup in the SOD1 gene is characterized by a duplication of three nucleotides GTG, which results in the insertion of an additional glycine amino acid at position 94 in the protein sequence. This in-frame insertion does not disrupt the reading frame of the SOD1 gene but adds an extra residue in the protein product. The variant is not found in gnomad 4.1 joint database. The reference nucleotide is conserved across vertebrates.